The following is an entry in ClinVar:

NM_004006.3(DMD):c.3382G>C (p.Glu1128Gln)

Gene: DMD (dystrophin; minus strand). Cytogenetic location: Xp21.1.
Variant type: single nucleotide variant.
Coding change: c.3382G>C on transcript NM_004006.3 (MANE Select); coding-DNA position 3382, G replaced by C.
Protein change: p.Glu1128Gln; replaces glutamic acid 1128 with glutamine.
Molecular consequence: missense variant.
Genome position (GRCh38, 1-based): chrX:32,463,489, C>G on the plus strand (G>C on the coding strand, the complement: DMD is on the minus strand). VCF-style: chrX-32463489-C-G. GRCh37 (hg19) VCF-style: chrX-32481606-C-G.
Other names: p.E1128Q:GAG>CAG; c.3358G>C, p.Glu1120Gln (NM_000109.4); c.3370G>C, p.Glu1124Gln (NM_004009.3); c.3013G>C, p.Glu1005Gln (NM_004010.3); short protein forms E1128Q, E1120Q, E1005Q, E1124Q.
Identifiers: ClinVar variation 201733 (VCV000201733.2), dbSNP rs794728998, ClinGen allele CA308349.

ClinVar aggregate classification (germline): Uncertain significance (1 of 4 stars; one submission).

Submission:

GeneDx
Classification: Uncertain significance. Last evaluated: 2024-03-19. Review status: criteria provided, single submitter. Criteria: GeneDx Variant Classification Process June 2021. Collection method: clinical testing. Allele origin: germline. Affected: yes.
Comment: Has not been previously published as pathogenic or benign to our knowledge; Not observed at significant frequency in large population cohorts (gnomAD); In silico analysis supports that this missense variant does not alter protein structure/function